The following is an entry in ClinVar:

NM_001142864.4(PIEZO1):c.4831C>T (p.Leu1611=)

Gene: PIEZO1 (piezo type mechanosensitive ion channel component 1 (Er blood group); minus strand). Cytogenetic location: 16q24.3.
Variant type: single nucleotide variant.
Coding change: c.4831C>T on transcript NM_001142864.4 (MANE Select); coding-DNA position 4831, C replaced by T.
Protein change: p.Leu1611=; no amino-acid change (leucine 1611 retained).
Molecular consequence: synonymous variant.
Genome position (GRCh38, 1-based): chr16:88,722,342, G>A on the plus strand (C>T on the coding strand, the complement: PIEZO1 is on the minus strand). VCF-style: chr16-88722342-G-A. GRCh37 (hg19) VCF-style: chr16-88788750-G-A.
Other names: p.Leu1611=.
Identifiers: ClinVar variation 4684137 (VCV004684137.1).

ClinVar aggregate classification (germline): Likely benign (1 of 4 stars; one submission).

gnomAD v4.1: 2 of 1,539,758 alleles (0.00013%); highest among the groups gnomAD compares: African/African-American, 0.0014%; no homozygotes.

Submission:

Mayo Clinic Laboratories, Mayo Clinic
Classification: Likely benign. Last evaluated: 2025-10-14. Review status: criteria provided, single submitter. Criteria: ACMG Guidelines, 2015. Collection method: clinical testing. Allele origin: germline. Observed: 1 variant allele.
Comment: BP4, BP7